The following is an entry in ClinVar:

ClinVar aggregate classification (germline): Uncertain significance (1 of 4 stars; one submission).

Conditions:
Duchenne muscular dystrophy (DMD). Also called: MUSCULAR DYSTROPHY, PSEUDOHYPERTROPHIC PROGRESSIVE, DUCHENNE TYPE; Duchenne Muscular Dystrophy (DMD). Identifiers: Orphanet 98896, MedGen C0013264, MONDO:0010679, OMIM 310200.

gnomAD v4.1: 2 of 1,211,869 alleles (0.00017%); highest among the groups gnomAD compares: South Asian, 0.0018%; no homozygotes.

Submission:

Labcorp Genetics (formerly Invitae), Labcorp
Classification: Uncertain significance for Duchenne muscular dystrophy. Last evaluated: 2024-04-30. Review status: criteria provided, single submitter. Criteria: Invitae Variant Classification Sherloc (09022015). Collection method: clinical testing. Allele origin: germline.
Comment: This sequence change replaces glutamic acid, which is acidic and polar, with valine, which is neutral and non-polar, at codon 2392 of the DMD protein (p.Glu2392Val). This variant is present in population databases (no rsID available, gnomAD 0.001%). This variant has not been reported in the literature in individuals affected with DMD-related conditions. Advanced modeling of protein sequence and biophysical properties (such as structural, functional, and spatial information, amino acid conservation, physicochemical variation, residue mobility, and thermodynamic stability) performed at Invitae indicates that this missense variant is not expected to disrupt DMD protein function with a negative predictive value of 95%. Algorithms developed to predict the effect of sequence changes on RNA splicing suggest that this variant may disrupt the consensus splice site. In summary, the available evidence is currently insufficient to determine the role of this variant in disease. Therefore, it has been classified as a Variant of Uncertain Significance.

NM_004006.3(DMD):c.7175A>T (p.Glu2392Val)

Gene: DMD (dystrophin; minus strand). Cytogenetic location: Xp21.1.
Variant type: single nucleotide variant.
Coding change: c.7175A>T on transcript NM_004006.3 (MANE Select); coding-DNA position 7175, A replaced by T.
Protein change: p.Glu2392Val; replaces glutamic acid 2392 with valine.
Molecular consequence: missense variant. On other transcripts: 5 prime UTR variant (5).
Genome position (GRCh38, 1-based): chrX:31,836,743, T>A on the plus strand (A>T on the coding strand, the complement: DMD is on the minus strand). VCF-style: chrX-31836743-T-A. GRCh37 (hg19) VCF-style: chrX-31854860-T-A.
Other names: c.7151A>T, p.Glu2384Val (NM_000109.4); c.7163A>T, p.Glu2388Val (NM_004009.3); c.6806A>T, p.Glu2269Val (NM_004010.3); c.3152A>T, p.Glu1051Val (NM_004011.4); c.3143A>T, p.Glu1048Val (NM_004012.4); c.-206A>T (NM_004013.3, NM_004020.4, NM_004021.3 and 2 more transcripts); short protein forms E2269V, E2384V, E2388V, E2392V, E1048V, E1051V.
Identifiers: ClinVar variation 3634809 (VCV003634809.2).